The following is an entry in ClinVar:

ClinVar aggregate classification (germline): Uncertain significance (1 of 4 stars; one submission).

Conditions:
Developmental and epileptic encephalopathy, 23 (DEE23). Also called: Epileptic encephalopathy, early infantile, 23. Identifiers: Orphanet 411986, MedGen C4014492, MONDO:0014371, OMIM 615859.

Submission:

Labcorp Genetics (formerly Invitae), Labcorp
Classification: Uncertain significance for Developmental and epileptic encephalopathy, 23. Last evaluated: 2021-11-22. Review status: criteria provided, single submitter. Criteria: Invitae Variant Classification Sherloc (09022015). Collection method: clinical testing. Allele origin: germline.
Comment: In summary, the available evidence is currently insufficient to determine the role of this variant in disease. Therefore, it has been classified as a Variant of Uncertain Significance. Algorithms developed to predict the effect of missense changes on protein structure and function are either unavailable or do not agree on the potential impact of this missense change (SIFT: "Deleterious"; PolyPhen-2: "Benign"; Align-GVGD: "Class C0"). This variant has not been reported in the literature in individuals affected with DOCK7-related conditions. This variant is not present in population databases (gnomAD no frequency). This sequence change replaces asparagine, which is neutral and polar, with lysine, which is basic and polar, at codon 944 of the DOCK7 protein (p.Asn944Lys).

NM_001367561.1(DOCK7):c.2832C>A (p.Asn944Lys)

Gene: DOCK7 (dedicator of cytokinesis 7; minus strand). Cytogenetic location: 1p31.3.
Variant type: single nucleotide variant.
Coding change: c.2832C>A on transcript NM_001367561.1 (MANE Select); coding-DNA position 2832, C replaced by A.
Protein change: p.Asn944Lys; replaces asparagine 944 with lysine.
Molecular consequence: missense variant. On other transcripts: intron variant (3).
Genome position (GRCh38, 1-based): chr1:62,544,974, G>T on the plus strand (C>A on the coding strand, the complement: DOCK7 is on the minus strand). VCF-style: chr1-62544974-G-T. GRCh37 (hg19) VCF-style: chr1-63010645-G-T.
Other names: c.2832C>A, p.Asn944Lys (NM_001271999.2, NM_001330614.2); c.2767-1229C>A (NM_001272001.2, NM_001272000.2, NM_033407.4); short protein forms N944K.
Identifiers: ClinVar variation 1468977 (VCV001468977.6), dbSNP rs1645654305, ClinGen allele CA340615810.